The following is an entry in ClinVar:

NM_000540.3(RYR1):c.11662C>T (p.Gln3888Ter)

Gene: RYR1 (ryanodine receptor 1; plus strand). Cytogenetic location: 19q13.2.
Variant type: single nucleotide variant.
Coding change: c.11662C>T on transcript NM_000540.3 (MANE Select); coding-DNA position 11662, C replaced by T.
Protein change: p.Gln3888Ter; replaces glutamine 3888 with a stop codon.
Molecular consequence: nonsense.
Genome position (GRCh38, 1-based): chr19:38,537,933, C>T. VCF-style: chr19-38537933-C-T. GRCh37 (hg19) VCF-style: chr19-39028573-C-T.
Other names: c.11647C>T, p.Gln3883Ter (NM_001042723.2); short protein forms Q3888*, Q3883*.
Identifiers: ClinVar variation 478161 (VCV000478161.6), dbSNP rs1555793236, ClinGen allele CA405658399.

ClinVar aggregate classification (germline): Pathogenic (1 of 4 stars; one submission).

Conditions:
RYR1-related disorder. Also called: RYR1-related condition; RYR1-related disorders. Identifiers: MedGen CN239331.

Submission:

Labcorp Genetics (formerly Invitae), Labcorp
Classification: Pathogenic for RYR1-related disorder. Last evaluated: 2022-03-19. Review status: criteria provided, single submitter. Criteria: Invitae Variant Classification Sherloc (09022015). Collection method: clinical testing. Allele origin: germline.
Comment: For these reasons, this variant has been classified as Pathogenic. ClinVar contains an entry for this variant (Variation ID: 478161). This variant has not been reported in the literature in individuals affected with RYR1-related conditions. This variant is not present in population databases (gnomAD no frequency). This sequence change creates a premature translational stop signal (p.Gln3888*) in the RYR1 gene. It is expected to result in an absent or disrupted protein product. Loss-of-function variants in RYR1 are known to be pathogenic (PMID: 20583297, 20839240, 23919265, 28818389).

Literature cited by the submitters: PubMed 20583297; PubMed 20839240; PubMed 23919265; PubMed 28818389.